The following is an entry in ClinVar:

NM_004273.5(CHST3):c.1204C>G (p.Gln402Glu)

Gene: CHST3 (carbohydrate sulfotransferase 3; plus strand). Cytogenetic location: 10q22.1.
Variant type: single nucleotide variant.
Coding change: c.1204C>G on transcript NM_004273.5 (MANE Select); coding-DNA position 1204, C replaced by G.
Protein change: p.Gln402Glu; replaces glutamine 402 with glutamic acid.
Molecular consequence: missense variant.
Genome position (GRCh38, 1-based): chr10:72,008,235, C>G. VCF-style: chr10-72008235-C-G. GRCh37 (hg19) VCF-style: chr10-73767993-C-G.
Other names: short protein forms Q402E.
Identifiers: ClinVar variation 2133077 (VCV002133077.4), dbSNP rs2494773776, ClinGen allele CA377151669.
Genomic context (GRCh38, chr10:72,008,235, plus strand): 5'-GCCCGCGAGATGTACCGCTTCGCCGGCATCCCCCTGACCCCGCAGGTGGAAGACTGGATC[C>G]AAAAGAACACGCAGGCGGCCCACGACGGCAGCGGCATCTACTCCACGCAGAAGAACTCCT-3'
Protein context (NP_004264.2, residues 392-412): PLTPQVEDWI[Gln402Glu]KNTQAAHDGS

ClinVar aggregate classification (germline): Uncertain significance (1 of 4 stars; one submission).

Conditions:
Spondyloepiphyseal dysplasia with congenital joint dislocations (SEDCJD). Also called: Chondrodysplasia with Congenital Joint Dislocations, CHST3-Related. Identifiers: Orphanet 263463, MedGen C1837657, MONDO:0007738, OMIM 143095.

Submission:

Labcorp Genetics (formerly Invitae), Labcorp
Classification: Uncertain significance for Spondyloepiphyseal dysplasia with congenital joint dislocations. Last evaluated: 2022-05-02. Review status: criteria provided, single submitter. Criteria: Invitae Variant Classification Sherloc (09022015). Collection method: clinical testing. Allele origin: germline.
Comment: In summary, the available evidence is currently insufficient to determine the role of this variant in disease. Therefore, it has been classified as a Variant of Uncertain Significance. Algorithms developed to predict the effect of missense changes on protein structure and function (SIFT, PolyPhen-2, Align-GVGD) all suggest that this variant is likely to be tolerated. This variant has not been reported in the literature in individuals affected with CHST3-related conditions. This variant is not present in population databases (gnomAD no frequency). This sequence change replaces glutamine, which is neutral and polar, with glutamic acid, which is acidic and polar, at codon 402 of the CHST3 protein (p.Gln402Glu).